The following is an entry in ClinVar:

ClinVar aggregate classification (germline): Likely benign. Review status: criteria provided, multiple submitters, no conflicts (2 of 4 stars). 4 submissions from 4 submitters: Likely benign (3). 1 of the submissions does not count toward it. Last evaluated 2024-11-11.

Conditions:
AFF4-related disorder. Also called: AFF4-related condition.
Cognitive impairment - coarse facies - heart defects - obesity - pulmonary involvement - short stature - skeletal dysplasia syndrome. Also called: Chops syndrome; AFF4-Related CHOPS Syndrome; COGNITIVE IMPAIRMENT, COARSE FACIES, HEART DEFECTS, OBESITY, PULMONARY INVOLVEMENT, SHORT STATURE, AND SKELETAL DYSPLASIA. Identifiers: Orphanet 444077, MedGen C4085597, MONDO:0014609, OMIM 616368.

Allele frequency attached by ClinVar (database versions not stated): gnomAD exomes 0.00003; ExAC 0.00004; 1000 Genomes Project 30x 0.00047; 1000 Genomes Project 0.00060.
gnomAD v4.1: 45 of 1,613,968 alleles (0.0028%); highest among the groups gnomAD compares: Middle Eastern, 0.049%; no homozygotes.

Submissions (4):

Blueprint Genetics
Classification: Likely benign. Last evaluated: 2024-11-11. Review status: criteria provided, single submitter. Criteria: ACMG Guidelines, 2015. Collection method: clinical testing. Allele origin: germline.

Labcorp Genetics (formerly Invitae), Labcorp
Classification: Likely benign for Cognitive impairment - coarse facies - heart defects - obesity - pulmonary involvement - short stature - skeletal dysplasia syndrome. Last evaluated: 2024-08-23. Review status: criteria provided, single submitter. Criteria: Invitae Variant Classification Sherloc (09022015). Collection method: clinical testing. Allele origin: germline.

CeGaT Center for Human Genetics Tuebingen
Classification: Likely benign. Last evaluated: 2024-06-01. Review status: criteria provided, single submitter. Criteria: CeGaT Center For Human Genetics Tuebingen Variant Classification Criteria Version 2. Collection method: clinical testing. Allele origin: germline. Affected: yes. Observed: 1 variant allele.
Comment: AFF4: BP4, BP7

PreventionGenetics, part of Exact Sciences
Classification: Likely benign for AFF4-related condition. Last evaluated: 2019-03-14. Review status: no assertion criteria provided. Collection method: clinical testing. Allele origin: germline. Not counted in ClinVar's aggregate classification.
Comment: This variant is classified as likely benign based on ACMG/AMP sequence variant interpretation guidelines (Richards et al. 2015 PMID: 25741868, with internal and published modifications).

NM_014423.4(AFF4):c.2601C>T (p.Thr867=)

Gene: AFF4 (ALF transcription elongation factor 4; minus strand). Cytogenetic location: 5q31.1.
Variant type: single nucleotide variant.
Coding change: c.2601C>T on transcript NM_014423.4 (MANE Select); coding-DNA position 2601, C replaced by T.
Protein change: p.Thr867=; no amino-acid change (threonine 867 retained).
Molecular consequence: synonymous variant.
Genome position (GRCh38, 1-based): chr5:132,892,200, G>A on the plus strand (C>T on the coding strand, the complement: AFF4 is on the minus strand). VCF-style: chr5-132892200-G-A. GRCh37 (hg19) VCF-style: chr5-132227892-G-A.
Other names: c.2601C>T (NM_014423.3).
Identifiers: ClinVar variation 1560800 (VCV001560800.28), dbSNP rs77247092, ClinGen allele CA3408893.